The following is an entry in ClinVar:

ClinVar aggregate classification (germline): Pathogenic/Likely pathogenic. Review status: criteria provided, multiple submitters, no conflicts (2 of 4 stars). 4 submissions from 4 submitters: Pathogenic (1); Likely pathogenic (2). 1 of the submissions does not count toward it. Last evaluated 2025-08-18.

Conditions:
3-hydroxyisobutyryl-CoA hydrolase deficiency. Also called: Reduced circulating 3-hydroxyisobutyryl-CoA hydrolase activity; Deficiency of 3-hydroxyisobutyryl CoA hydrolase; HIBCH DEFICIENCY; METHACRYLIC ACID TOXICITY; METHACRYLIC ACIDURIA; VALINE METABOLIC DEFECT. Identifiers: Orphanet 88639, MedGen C0342738, MONDO:0009603, OMIM 250620, HP:6000215.

gnomAD v4.1: 8 of 1,612,936 alleles (0.0005%); highest among the groups gnomAD compares: Admixed American, 0.0033%; no homozygotes.

Submissions (4):

Variantyx, Inc.
Classification: Likely pathogenic for 3-hydroxyisobutyryl-CoA hydrolase deficiency. Last evaluated: 2025-08-18. Review status: criteria provided, single submitter. Criteria: Variantyx Assertion Criteria 2022. Collection method: clinical testing. Allele origin: germline. Inheritance: Autosomal recessive inheritance. Affected: no.
Comment: This is a nonsynonymous variant in the HIBCH gene (OMIM: 610690). Pathogenic variants in this gene have been associated with autosomal recessive 3-hydroxyisobutryl-CoA hydrolase deficiency. This variant has been identified in the homozygous or compound heterozygous state in at least 4 individuals reported in the published literature (PMID: 31395954, 32022391, 38374194, 32677093) (PM3_Strong). Functional studies have shown that this variant alters HIBCH protein function (PMID: 32022391) (PS3), and multiple computational algorithms predict no functional impact for this variant (REVEL score: 0.272) (BP4). This variant has a 0.0033% maximum allele frequency in non-founder control populations (PM2). Based on the current evidence, this variant is classified as likely pathogenic for autosomal recessive 3-hydroxyisobutryl-CoA hydrolase deficiency.

GeneDx
Classification: Pathogenic. Last evaluated: 2024-01-11. Review status: criteria provided, single submitter. Criteria: GeneDx Variant Classification Process June 2021. Collection method: clinical testing. Allele origin: germline. Affected: yes.
Comment: Functional studies demonstrate markedly reduced 3-Hydroxy-isobutyry-CoA hydrolase activity in a patient with HIBCH deficiency.; Not observed at significant frequency in large population cohorts (gnomAD); In silico analysis supports that this missense variant does not alter protein structure/function; This variant is associated with the following publications: (PMID: 32022391, 31589614, 32677093, 31780822, 31395954)

Labcorp Genetics (formerly Invitae), Labcorp
Classification: Likely pathogenic for 3-hydroxyisobutyryl-CoA hydrolase deficiency. Last evaluated: 2022-05-27. Review status: criteria provided, single submitter. Criteria: Invitae Variant Classification Sherloc (09022015). Collection method: clinical testing. Allele origin: germline.
Comment: In summary, the currently available evidence indicates that the variant is pathogenic, but additional data are needed to prove that conclusively. Therefore, this variant has been classified as Likely Pathogenic. Advanced modeling of protein sequence and biophysical properties (such as structural, functional, and spatial information, amino acid conservation, physicochemical variation, residue mobility, and thermodynamic stability) performed at Invitae indicates that this missense variant is expected to disrupt HIBCH protein function. ClinVar contains an entry for this variant (Variation ID: 430548). This missense change has been observed in individual(s) with clinical features of 3-hydroxyisobutyryl-CoA hydrolase deficiency (PMID: 32022391, 32677093). In at least one individual the data is consistent with being in trans (on the opposite chromosome) from a pathogenic variant. This variant is present in population databases (rs74832989, gnomAD 0.003%). This sequence change replaces cysteine, which is neutral and slightly polar, with phenylalanine, which is neutral and non-polar, at codon 163 of the HIBCH protein (p.Cys163Phe).

OMIM
Classification: Pathogenic for 3-HYDROXYISOBUTYRYL-CoA HYDROLASE DEFICIENCY. Last evaluated: 2024-02-29. Review status: no assertion criteria provided. Collection method: literature only. Allele origin: germline. Not counted in ClinVar's aggregate classification.

Literature cited by the submitters: PubMed 31395954 (cited by Variantyx, Inc.); PubMed 32022391 (cited by 3 submitters); PubMed 38374194 (cited by Variantyx, Inc.); PubMed 32677093 (cited by Variantyx, Inc. and Labcorp Genetics (formerly Invitae), Labcorp).

NM_014362.4(HIBCH):c.488G>T (p.Cys163Phe)

Gene: HIBCH (3-hydroxyisobutyryl-CoA hydrolase; minus strand). Cytogenetic location: 2q32.2.
Variant type: single nucleotide variant.
Coding change: c.488G>T on transcript NM_014362.4 (MANE Select); coding-DNA position 488, G replaced by T.
Protein change: p.Cys163Phe; replaces cysteine 163 with phenylalanine.
Molecular consequence: missense variant.
Genome position (GRCh38, 1-based): chr2:190,261,185, C>A on the plus strand (G>T on the coding strand, the complement: HIBCH is on the minus strand). VCF-style: chr2-190261185-C-A. GRCh37 (hg19) VCF-style: chr2-191125911-C-A.
Other names: c.488G>T, p.Cys163Phe (NM_198047.3); short protein forms C163F.
Identifiers: ClinVar variation 430548 (VCV000430548.11), dbSNP rs74832989, ClinGen allele CA62630288.
Genomic context (GRCh38, chr2:190,261,185, plus strand): 5'-AGTAATTATAAAAAAAATTCTGGTTGTTTACCTATTGCAGTTTCTGGCATAGCAAAAAGA[C>A]ACTTTTCTGTAGCCACTCGAAATTGCCCATGGACTGAGAGACCAACTCCCTAGAGAAAAA-3'
Protein context (NP_055177.2, residues 153-173): HGQFRVATEK[Cys163Phe]LFAMPETAIG